The following is an entry in ClinVar:

NM_006915.3(RP2):c.49C>T (p.Pro17Ser)

Genes: RP2 (RP2 activator of ARL3 GTPase; plus strand), LOC130068202 (ATAC-STARR-seq lymphoblastoid active region 29577; plus strand). Cytogenetic location: Xp11.3.
Variant type: single nucleotide variant.
Coding change: c.49C>T on transcript NM_006915.3 (MANE Select); coding-DNA position 49, C replaced by T.
Protein change: p.Pro17Ser; replaces proline 17 with serine.
Molecular consequence: missense variant.
Genome position (GRCh38, 1-based): chrX:46,837,149, C>T. VCF-style: chrX-46837149-C-T. GRCh37 (hg19) VCF-style: chrX-46696584-C-T.
Other names: short protein forms P17S.
Identifiers: ClinVar variation 636099 (VCV000636099.7), dbSNP rs782103396, ClinGen allele CA10394163.

ClinVar aggregate classification (germline): Conflicting classifications of pathogenicity. Review status: criteria provided, conflicting classifications (1 of 4 stars). 6 submissions from 6 submitters: Uncertain significance (4); Likely benign (1). 1 of the submissions does not count toward it. Last evaluated 2025-12-11.

Conditions:
Retinitis pigmentosa (RP). Identifiers: Orphanet 791, MedGen C0035334, MeSH D012174, MONDO:0019200, OMIM 268000. Inheritance: Autosomal dominant, autosomal recessive and X linked inheritance.
RP2-related disorder. Also called: RP2-related condition.
Retinitis pigmentosa 2 (RP2). Also called: Retinitis pigmentosa 2, X linked. Identifiers: Orphanet 791, MedGen C2681923, MONDO:0010723, OMIM 312600.

Allele frequency attached by ClinVar (database versions not stated): gnomAD exomes 0.00001 and 0.00003; TOPMed 0.00002; ExAC 0.00006.

Submissions (6):

PreventionGenetics, part of Exact Sciences
Classification: Uncertain significance for RP2-related condition. Last evaluated: 2025-12-11. Review status: criteria provided, single submitter. Criteria: ACMG Guidelines, 2015. Collection method: clinical testing. Allele origin: germline.
Comment: The RP2 c.49C>T variant is predicted to result in the amino acid substitution p.Pro17Ser. This variant has been reported in the hemizygous or heterozygous states in individuals with retinitis pigmentosa (Xu et al. 2014. PubMed ID: 24938718; Table S4 Jespersgaard et al. 2019. PubMed ID: 30718709). This variant is reported in 0.045% of alleles in individuals of East Asian descent in gnomAD. At this time, the clinical significance of this variant is uncertain due to the absence of conclusive functional and genetic evidence.

Labcorp Genetics (formerly Invitae), Labcorp
Classification: Likely benign. Last evaluated: 2025-11-04. Review status: criteria provided, single submitter. Criteria: Invitae Variant Classification Sherloc (09022015). Collection method: clinical testing. Allele origin: germline.

3billion
Classification: Uncertain significance for Retinitis pigmentosa 2. Last evaluated: 2024-09-04. Review status: criteria provided, single submitter. Criteria: ACMG Guidelines, 2015. Collection method: clinical testing. Allele origin: germline. Affected: yes.
Comment: The variant is observed at an extremely low frequency in the gnomAD v4.0.0 dataset (total allele frequency: <0.001%). Predicted Consequence/Location: Missense variant Damaging effect on gene or gene product predicted by in silico programs is uncertain [REVEL: 0.24 (damaging >=0.6, benign <0.4), 3Cnet: 0.27 (damaging >=0.6, benign <0.15)]. The same nucleotide change resulting in the same amino acid change has been previously reported to be associated with RP2-related disorder (ClinVar ID: VCV000636099 /PMID: 24938718). However, the evidence of pathogenicity is insufficient at this time. Therefore, this variant is classified as VUS according to the recommendation of ACMG/AMP guideline.

Women's Health and Genetics/Laboratory Corporation of America, LabCorp
Classification: Uncertain significance. Last evaluated: 2021-11-24. Review status: criteria provided, single submitter. Criteria: LabCorp Variant Classification Summary - May 2015. Collection method: clinical testing. Allele origin: germline.
Comment: Variant summary: RP2 c.49C>T (p.Pro17Ser) results in a non-conservative amino acid change located in the Tubulin binding cofactor C-like domain (IPR012945) of the encoded protein sequence. Four of five in-silico tools predict a benign effect of the variant on protein function. The variant allele was found at a frequency of 3.4e-05 in 118867 control chromosomes. c.49C>T has been reported in the literature in at-least one comprehensively genotyped (WES/large NGS panel) male and one female affected with Retinitis Pigmentosa, X-Linked (example, Xu_2014, Jespersgaard_2019). These data indicate that the variant may be associated with disease. To our knowledge, no experimental evidence demonstrating an impact on protein function has been reported. One clinical diagnostic laboratory has submitted clinical-significance assessments for this variant to ClinVar after 2014 without evidence for independent evaluation and classified the variant as likely pathogenic. Based on the evidence outlined above, the variant was classified as VUS-possibly pathogenic.

Fulgent Genetics
Classification: Uncertain significance for Retinitis pigmentosa 2. Last evaluated: 2021-09-30. Review status: criteria provided, single submitter. Criteria: ACMG Guidelines, 2015. Collection method: clinical testing. Allele origin: unknown.

Department of Clinical Genetics, Copenhagen University Hospital, Rigshospitalet
Classification: Likely pathogenic for Retinitis pigmentosa. Last evaluated: 2018-04-01. Review status: no assertion criteria provided. Collection method: research. Allele origin: unknown. Affected: yes. Study: VeluxRD. Not counted in ClinVar's aggregate classification.

Literature cited by the submitters: PubMed 24938718 (cited by 3billion and Women's Health and Genetics/Laboratory Corporation of America, LabCorp); PubMed 30718709 (cited by Women's Health and Genetics/Laboratory Corporation of America, LabCorp and Department of Clinical Genetics, Copenhagen University Hospital, Rigshospitalet).